The following is an entry in ClinVar:

NM_000051.4(ATM):c.5428A>T (p.Thr1810Ser)

Gene: ATM (ATM serine/threonine kinase; plus strand). Cytogenetic location: 11q22.3.
Variant type: single nucleotide variant.
Coding change: c.5428A>T on transcript NM_000051.4 (MANE Select); coding-DNA position 5428, A replaced by T.
Protein change: p.Thr1810Ser; replaces threonine 1810 with serine.
Molecular consequence: missense variant.
Genome position (GRCh38, 1-based): chr11:108,302,961, A>T. VCF-style: chr11-108302961-A-T. GRCh37 (hg19) VCF-style: chr11-108173688-A-T.
Other names: c.5428A>T, p.Thr1810Ser (NM_001351834.2); short protein forms T1810S.
Identifiers: ClinVar variation 524346 (VCV000524346.7), dbSNP rs876659748, ClinGen allele CA382543988.
Genomic context (GRCh38, chr11:108,302,961, plus strand): 5'-GATGATATAAATCTGTGGATTCCTCTAAGTGAAAATCATGACATTTGGATAAAGACACTG[A>T]CTTGTGCTTTTTTGGACAGTGGAGGCACAAAATGTGAAATTCTTCAATTATTAAAGCCAA-3'
Protein context (NP_000042.3, residues 1800-1820): ENHDIWIKTL[Thr1810Ser]CAFLDSGGTK

ClinVar aggregate classification (germline): Uncertain significance (1 of 4 stars; one submission).

Conditions:
Ataxia-telangiectasia syndrome (AT). Also called: ATAXIA-TELANGIECTASIA, COMPLEMENTATION GROUP A; ATAXIA-TELANGIECTASIA, FRESNO VARIANT; Ataxia-telangiectasia; Ataxia-telangiectasia, complementation group D; AT, COMPLEMENTATION GROUP C; Ataxia-telangiectasia, complementation group E. Identifiers: Orphanet 100, MedGen C0004135, MONDO:0008840, OMIM 208900.

Submission:

Labcorp Genetics (formerly Invitae), Labcorp
Classification: Uncertain significance for Ataxia-telangiectasia syndrome. Last evaluated: 2022-06-06. Review status: criteria provided, single submitter. Criteria: Invitae Variant Classification Sherloc (09022015). Collection method: clinical testing. Allele origin: germline.
Comment: This sequence change replaces threonine, which is neutral and polar, with serine, which is neutral and polar, at codon 1810 of the ATM protein (p.Thr1810Ser). This variant is not present in population databases (gnomAD no frequency). This variant has not been reported in the literature in individuals affected with ATM-related conditions. ClinVar contains an entry for this variant (Variation ID: 524346). Advanced modeling of protein sequence and biophysical properties (such as structural, functional, and spatial information, amino acid conservation, physicochemical variation, residue mobility, and thermodynamic stability) performed at Invitae indicates that this missense variant is not expected to disrupt ATM protein function. In summary, the available evidence is currently insufficient to determine the role of this variant in disease. Therefore, it has been classified as a Variant of Uncertain Significance.